The following is an entry in ClinVar:

NM_000257.4(MYH7):c.5400C>T (p.Ala1800=)

Gene: MYH7 (myosin heavy chain 7; minus strand). Cytogenetic location: 14q11.2.
Variant type: single nucleotide variant.
Coding change: c.5400C>T on transcript NM_000257.4 (MANE Select); coding-DNA position 5400, C replaced by T.
Protein change: p.Ala1800=; no amino-acid change (alanine 1800 retained).
Molecular consequence: synonymous variant.
Genome position (GRCh38, 1-based): chr14:23,415,154, G>A on the plus strand (C>T on the coding strand, the complement: MYH7 is on the minus strand). VCF-style: chr14-23415154-G-A. GRCh37 (hg19) VCF-style: chr14-23884363-G-A.
Identifiers: ClinVar variation 188644 (VCV000188644.25), dbSNP rs556490774, ClinGen allele CA016079.
Genomic context (GRCh38, chr14:23,415,154, plus strand): 5'-CCGCACCCGCGCTTCCAGCTTCTGCAGCTGCTTCTTGCCGCCCTTGAGGGCGATCTGCTC[G>A]GCTTCGTCCAGCCGGTGCTGCAGGTCCTTAATGGTCTGTTCCATGTTCTTCTTCATGCGC-3'
Protein context (NP_000248.2, residues 1790-1810): IKDLQHRLDE[Ala1800=]EQIALKGGKK

ClinVar aggregate classification (germline): Benign/Likely benign. Review status: criteria provided, multiple submitters, no conflicts (2 of 4 stars). 7 submissions from 7 submitters: Benign (1); Likely benign (6). Last evaluated 2026-01-02.

Conditions:
Cardiovascular phenotype. Identifiers: MedGen CN230736.
Cardiomyopathy (CMYO). Also called: Cardiomyopathies. Identifiers: Orphanet 167848, MedGen C0878544, MONDO:0004994, HP:0001638. Inheritance: Various modes of inheritance.
Hypertrophic cardiomyopathy. Also called: HYPERTROPHIC MYOCARDIOPATHY. Identifiers: Orphanet 217569, MedGen C0007194, MeSH D002312, MONDO:0005045, HP:0001639.

Allele frequency attached by ClinVar (database versions not stated): ExAC 0.00009; TOPMed 0.00009; 1000 Genomes Project 30x 0.00016; 1000 Genomes Project 0.00020.
gnomAD v4.1: 51 of 1,614,192 alleles (0.0032%); highest among the groups gnomAD compares: East Asian, 0.02%; no homozygotes.

Submissions (7):

Labcorp Genetics (formerly Invitae), Labcorp
Classification: Likely benign for Hypertrophic cardiomyopathy. Last evaluated: 2026-01-02. Review status: criteria provided, single submitter. Criteria: Invitae Variant Classification Sherloc (09022015). Collection method: clinical testing. Allele origin: germline.

Blueprint Genetics
Classification: Likely benign. Last evaluated: 2024-11-21. Review status: criteria provided, single submitter. Criteria: ACMG Guidelines, 2015. Collection method: clinical testing. Allele origin: germline.

All of Us Research Program, National Institutes of Health
Classification: Likely benign for Cardiomyopathy. Last evaluated: 2024-02-05. Review status: criteria provided, single submitter. Criteria: ACMG Guidelines, 2015. Collection method: clinical testing. Allele origin: germline. Inheritance: Autosomal dominant inheritance. Observed: 10 variant alleles, 10 heterozygotes.
Comment: This study involves interpretation of variants in research participants for the purpose of population health screening. Participant phenotype was not available at the time of variant classification. Additional details can be found in publication PMID: 35346344, PMCID: PMC8962531

CHEO Genetics Diagnostic Laboratory, Children's Hospital of Eastern Ontario
Classification: Likely benign for Cardiomyopathy. Last evaluated: 2020-03-19. Review status: criteria provided, single submitter. Criteria: ACMG Guidelines, 2015. Collection method: clinical testing. Allele origin: germline.

Ambry Genetics
Classification: Likely benign for Cardiovascular phenotype. Last evaluated: 2020-03-02. Review status: criteria provided, single submitter. Criteria: Ambry Variant Classification Scheme 2023. Collection method: clinical testing. Allele origin: germline.

Color Diagnostics, LLC DBA Color Health
Classification: Likely benign for Cardiomyopathy. Last evaluated: 2018-06-25. Review status: criteria provided, single submitter. Criteria: ACMG Guidelines, 2015. Collection method: clinical testing. Allele origin: germline.

GeneDx
Classification: Benign. Last evaluated: 2015-03-03. Review status: criteria provided, single submitter. Criteria: GeneDx Variant Classification Process June 2021. Collection method: clinical testing. Allele origin: germline. Affected: yes.